The following is an entry in ClinVar:

NM_033380.3(COL4A5):c.864G>C (p.Lys288Asn)

Gene: COL4A5 (collagen type IV alpha 5 chain; plus strand). Cytogenetic location: Xq22.3.
Variant type: single nucleotide variant.
Coding change: c.864G>C on transcript NM_033380.3 (MANE Select); coding-DNA position 864, G replaced by C.
Protein change: p.Lys288Asn; replaces lysine 288 with asparagine.
Molecular consequence: missense variant.
Genome position (GRCh38, 1-based): chrX:108,580,711, G>C. VCF-style: chrX-108580711-G-C. GRCh37 (hg19) VCF-style: chrX-107823941-G-C.
Other names: c.864G>C, p.Lys288Asn (NM_000495.5); short protein forms K288N.
Identifiers: ClinVar variation 3666565 (VCV003666565.2).
Genomic context (GRCh38, chrX:108,580,711, plus strand): 5'-AACCATTGTGAAACTATTTTTATGTGTACAGGGTCCCCCAGGTGGTGAGAAAGGTGAGAA[G>C]GGTGAGCAAGGAGAGCCAGGCAAAAGAGTAAGTGATGTAACTGCTAATATTCTTTGCAAA-3'
Protein context (NP_203699.1, residues 278-298): PGPPGGEKGE[Lys288Asn]GEQGEPGKRG

ClinVar aggregate classification (germline): Uncertain significance (1 of 4 stars; one submission).

gnomAD v4.1: 66 of 1,208,995 alleles (0.0055%); highest among the groups gnomAD compares: Non-Finnish European, 0.0072%; no homozygotes.

Submission:

Labcorp Genetics (formerly Invitae), Labcorp
Classification: Uncertain significance. Last evaluated: 2024-03-07. Review status: criteria provided, single submitter. Criteria: Invitae Variant Classification Sherloc (09022015). Collection method: clinical testing. Allele origin: germline.
Comment: This sequence change replaces lysine, which is basic and polar, with asparagine, which is neutral and polar, at codon 288 of the COL4A5 protein (p.Lys288Asn). This variant is not present in population databases (gnomAD no frequency). This variant has not been reported in the literature in individuals affected with COL4A5-related conditions. Advanced modeling of protein sequence and biophysical properties (such as structural, functional, and spatial information, amino acid conservation, physicochemical variation, residue mobility, and thermodynamic stability) performed at Invitae indicates that this missense variant is not expected to disrupt COL4A5 protein function with a negative predictive value of 95%. In summary, the available evidence is currently insufficient to determine the role of this variant in disease. Therefore, it has been classified as a Variant of Uncertain Significance.